The following is an entry in ClinVar:

ClinVar aggregate classification (germline): Uncertain significance (1 of 4 stars; one submission).

Conditions:
Epidermodysplasia verruciformis. Identifiers: Orphanet 302, MedGen C0014522, MONDO:0009176.

gnomAD v4.1: 5 of 1,613,106 alleles (0.00031%); highest among the groups gnomAD compares: Admixed American, 0.0017%; no homozygotes.

Submission:

Labcorp Genetics (formerly Invitae), Labcorp
Classification: Uncertain significance for Epidermodysplasia verruciformis. Last evaluated: 2022-04-16. Review status: criteria provided, single submitter. Criteria: Invitae Variant Classification Sherloc (09022015). Collection method: clinical testing. Allele origin: germline.
Comment: This variant is not present in population databases (gnomAD no frequency). This sequence change replaces valine, which is neutral and non-polar, with leucine, which is neutral and non-polar, at codon 735 of the TMC6 protein (p.Val735Leu). This variant has not been reported in the literature in individuals affected with TMC6-related conditions. In summary, the available evidence is currently insufficient to determine the role of this variant in disease. Therefore, it has been classified as a Variant of Uncertain Significance. Algorithms developed to predict the effect of missense changes on protein structure and function are either unavailable or do not agree on the potential impact of this missense change (SIFT: "Not Available"; PolyPhen-2: "Benign"; Align-GVGD: "Not Available").

NM_001127198.5(TMC6):c.2203G>C (p.Val735Leu)

Gene: TMC6 (transmembrane channel like 6; minus strand). Cytogenetic location: 17q25.3.
Variant type: single nucleotide variant.
Coding change: c.2203G>C on transcript NM_001127198.5 (MANE Select); coding-DNA position 2203, G replaced by C.
Protein change: p.Val735Leu; replaces valine 735 with leucine.
Molecular consequence: missense variant. On other transcripts: non-coding transcript variant (4).
Genome position (GRCh38, 1-based): chr17:78,117,343, C>G on the plus strand (G>C on the coding strand, the complement: TMC6 is on the minus strand). VCF-style: chr17-78117343-C-G. GRCh37 (hg19) VCF-style: chr17-76113424-C-G.
Other names: c.2203G>C, p.Val735Leu (NM_001321185.1, NM_001374596.1, NM_001375353.1 and 2 more transcripts); c.2023G>C, p.Val675Leu (NM_001374593.1, NM_001374594.1); short protein forms V675L, V735L.
Identifiers: ClinVar variation 1966299 (VCV001966299.5), dbSNP rs747298813, ClinGen allele CA401224637.
Genomic context (GRCh38, chr17:78,117,343, plus strand): 5'-CCTTGAGCAGGCAGATGACCTTGCGCTGGCCCCGCACCACCTGGATGTTGAGGTAGATCA[C>G]GGCCCTGCGGGAGAGGGGCTGTCGGGCAGGGCCCAGGGCCACAGCCCGGGAGCGGCCAGT-3'
Protein context (NP_001120670.1, residues 725-745): VFLVSALLLA[Val735Leu]IYLNIQVVRG